The following is an entry in ClinVar:

ClinVar aggregate classification (germline): Benign (1 of 4 stars; one submission).

Conditions:
Diaphyseal medullary stenosis-bone malignancy syndrome. Also called: MYOPATHY, LIMB-GIRDLE, WITH BONE FRAGILITY; BONE DYSPLASIA WITH MALIGNANT FIBROUS HISTIOCYTOMA; BONE DYSPLASIA WITH MEDULLARY FIBROSARCOMA. Identifiers: Orphanet 85182, MedGen C1862177, MONDO:0007205, OMIM 112250.

Allele frequency attached by ClinVar (database versions not stated): gnomAD below 0.00001 and 0.00024; TOPMed 0.00003; gnomAD exomes 0.00012; 1000 Genomes Project 0.00080; 1000 Genomes Project 30x 0.00094.
gnomAD v4.1: 140 of 985,422 alleles (0.014%); highest among the groups gnomAD compares: South Asian, 0.6%; 2 homozygotes.

Submission:

Illumina Laboratory Services, Illumina
Classification: Benign for Diaphyseal medullary stenosis-bone malignancy syndrome. Last evaluated: 2018-01-13. Review status: criteria provided, single submitter. Criteria: ICSL Variant Classification Criteria 13 December 2019. Collection method: clinical testing. Allele origin: germline.
Comment: This variant was observed in the ICSL laboratory as part of a predisposition screen in an ostensibly healthy population. It had not been previously curated by ICSL or reported in the Human Gene Mutation Database (HGMD: prior to June 1st, 2018), and was therefore a candidate for classification through an automated scoring system. Utilizing variant allele frequency, disease prevalence and penetrance estimates, and inheritance mode, an automated score was calculated to assess if this variant is too frequent to cause the disease. Based on the score and internal cut-off values, a variant classified as benign is not then subjected to further curation. The score for this variant resulted in a classification of benign for this disease.

NM_002451.4(MTAP):c.*2279T>G

Gene: MTAP (methylthioadenosine phosphorylase; plus strand). Cytogenetic location: 9p21.3.
Variant type: single nucleotide variant.
Coding change: c.*2279T>G on transcript NM_002451.4 (MANE Select); 2279 bases downstream of the stop codon, T replaced by G.
Molecular consequence: 3 prime UTR variant.
Genome position (GRCh38, 1-based): chr9:21,864,293, T>G. VCF-style: chr9-21864293-T-G. GRCh37 (hg19) VCF-style: chr9-21864292-T-G.
Identifiers: ClinVar variation 366292 (VCV000366292.5), dbSNP rs529226542, ClinGen allele CA10627094.